The following is an entry in ClinVar:

NM_003242.6(TGFBR2):c.904G>T (p.Glu302Ter)

Gene: TGFBR2 (transforming growth factor beta receptor 2; plus strand). Cytogenetic location: 3p24.1.
Variant type: single nucleotide variant.
Coding change: c.904G>T on transcript NM_003242.6 (MANE Select); coding-DNA position 904, G replaced by T.
Protein change: p.Glu302Ter; replaces glutamic acid 302 with a stop codon.
Molecular consequence: nonsense. On other transcripts: intron variant (1).
Genome position (GRCh38, 1-based): chr3:30,672,087, G>T. VCF-style: chr3-30672087-G-T. GRCh37 (hg19) VCF-style: chr3-30713579-G-T.
Other names: c.979G>T, p.Glu327Ter (NM_001024847.3); c.1087G>T, p.Glu363Ter (NM_001407126.1); c.1012G>T, p.Glu338Ter (NM_001407127.1); c.931G>T, p.Glu311Ter (NM_001407128.1); c.907G>T, p.Glu303Ter (NM_001407129.1); c.904G>T, p.Glu302Ter (NM_001407130.1); c.799G>T, p.Glu267Ter (NM_001407132.1, NM_001407133.1, NM_001407134.1 and 2 more transcripts); c.619G>T, p.Glu207Ter (NM_001407137.1); and 2 more; short protein forms E182*, E207*, E267*, E302*, E303*, E311*, E327*, E338*.
Identifiers: ClinVar variation 3370652 (VCV003370652.1).
Genomic context (GRCh38, chr3:30,672,087, plus strand): 5'-GAGGAGTATGCCTCTTGGAAGACAGAGAAGGACATCTTCTCAGACATCAATCTGAAGCAT[G>T]AGAACATACTCCAGTTCCTGACGGCTGAGGAGCGGAAGACGGAGTTGGGGAAACAATACT-3'

ClinVar aggregate classification (germline): Uncertain significance (1 of 4 stars; one submission).

Submission:

GeneDx
Classification: Uncertain significance. Last evaluated: 2024-03-11. Review status: criteria provided, single submitter. Criteria: GeneDx Variant Classification Process June 2021. Collection method: clinical testing. Allele origin: germline. Affected: yes.
Comment: Not observed at significant frequency in large population cohorts (gnomAD); Nonsense variant predicted to result in protein truncation or nonsense mediated decay in a gene or region of a gene for which loss of function is not a well-established mechanism of disease; Has not been previously published as pathogenic or benign to our knowledge